The following is an entry in ClinVar:

ClinVar aggregate classification (germline): Conflicting classifications of pathogenicity. Review status: criteria provided, conflicting classifications (1 of 4 stars). 9 submissions from 9 submitters: Uncertain significance (2); Benign (1); Likely benign (5). 1 of the submissions does not count toward it. Last evaluated 2026-08-01.

Conditions:
Inborn genetic diseases. Identifiers: MedGen C0950123, MeSH D030342.
MYOT-related disorder. Also called: MYOT-related condition.
Myofibrillar myopathy 3 (MFM3). Also called: Muscular dystrophy, proximal, type 1A; Autosomal dominant spheroid body myopathy. Identifiers: Orphanet 266, Orphanet 268129, MedGen C3714934, MONDO:0012215, OMIM 609200.

Allele frequency attached by ClinVar (database versions not stated): gnomAD 0.00011 and 0.00013; 1000 Genomes Project 30x 0.00016; TOPMed 0.00018; 1000 Genomes Project 0.00020; ExAC 0.00025; ESP Exome Variant Server 0.00031.
gnomAD v4.1: 264 of 1,605,466 alleles (0.016%); highest among the groups gnomAD compares: Middle Eastern, 0.23%; 1 homozygote.

Submissions (9):

CeGaT Center for Human Genetics Tuebingen
Classification: Likely benign. Last evaluated: 2026-08-01. Review status: criteria provided, single submitter. Criteria: CeGaT Center For Human Genetics Tuebingen Variant Classification Criteria Version 2. Collection method: clinical testing. Allele origin: germline. Affected: yes. Observed: 2 variant alleles.
Comment: MYOT: BS2

Labcorp Genetics (formerly Invitae), Labcorp
Classification: Benign for Myofibrillar myopathy 3. Last evaluated: 2025-12-03. Review status: criteria provided, single submitter. Criteria: Invitae Variant Classification Sherloc (09022015). Collection method: clinical testing. Allele origin: germline.

Blueprint Genetics
Classification: Likely benign. Last evaluated: 2024-11-18. Review status: criteria provided, single submitter. Criteria: ACMG Guidelines, 2015. Collection method: clinical testing. Allele origin: germline.

Women's Health and Genetics/Laboratory Corporation of America, LabCorp
Classification: Likely benign. Last evaluated: 2023-08-19. Review status: criteria provided, single submitter. Criteria: LabCorp Variant Classification Summary - May 2015. Collection method: clinical testing. Allele origin: germline.

Ambry Genetics
Classification: Uncertain significance for Inborn genetic diseases. Last evaluated: 2021-08-02. Review status: criteria provided, single submitter. Criteria: Ambry Variant Classification Scheme 2023. Collection method: clinical testing. Allele origin: germline.

GeneDx
Classification: Likely benign. Last evaluated: 2020-11-09. Review status: criteria provided, single submitter. Criteria: GeneDx Variant Classification Process June 2021. Collection method: clinical testing. Allele origin: germline. Affected: yes.

Illumina Laboratory Services, Illumina
Classification: Uncertain significance for Myofibrillar myopathy 3. Last evaluated: 2018-01-13. Review status: criteria provided, single submitter. Criteria: ICSL Variant Classification Criteria 13 December 2019. Collection method: clinical testing. Allele origin: germline.

Eurofins Ntd Llc (ga)
Classification: Likely benign. Last evaluated: 2017-01-30. Review status: criteria provided, single submitter. Criteria: EGL Classification Definitions 2015. Collection method: clinical testing. Allele origin: germline. Observed: 1 variant allele, 1 heterozygote.

PreventionGenetics, part of Exact Sciences
Classification: Likely benign for MYOT-related condition. Last evaluated: 2024-09-04. Review status: no assertion criteria provided. Collection method: clinical testing. Allele origin: germline. Not counted in ClinVar's aggregate classification.
Comment: This variant is classified as likely benign based on ACMG/AMP sequence variant interpretation guidelines (Richards et al. 2015 PMID: 25741868, with internal and published modifications).

NM_006790.3(MYOT):c.533G>A (p.Arg178His)

Genes: MYOT (myotilin; plus strand), PKD2L2-DT (PKD2L2 divergent transcript; minus strand). Cytogenetic location: 5q31.2.
Variant type: single nucleotide variant.
Coding change: c.533G>A on transcript NM_006790.3 (MANE Select); coding-DNA position 533, G replaced by A.
Protein change: p.Arg178His; replaces arginine 178 with histidine.
Molecular consequence: missense variant. On other transcripts: 5 prime UTR variant (1).
Genome position (GRCh38, 1-based): chr5:137,877,521, G>A. VCF-style: chr5-137877521-G-A. GRCh37 (hg19) VCF-style: chr5-137213210-G-A.
Other names: c.-20G>A (NM_001135940.2); c.188G>A, p.Arg63His (NM_001300911.2); short protein forms R178H, R63H.
Identifiers: ClinVar variation 351025 (VCV000351025.29), dbSNP rs150293853, ClinGen allele CA3422946.